The following is an entry in ClinVar:

ClinVar aggregate classification (germline): Pathogenic/Likely pathogenic. Review status: criteria provided, multiple submitters, no conflicts (2 of 4 stars). 10 submissions from 10 submitters: Pathogenic (8); Likely pathogenic (1). 1 of the submissions does not count toward it. Last evaluated 2024-04-29.

Conditions:
KMT2D-related disorder. Also called: KMT2D-Related Disorders.
Kabuki syndrome 1 (KABUK1). Also called: KMT2D-Related Kabuki Syndrome. Identifiers: Orphanet 2322, MedGen CN030661, MONDO:0007843, OMIM 147920.
Choanal atresia-athelia-hypothyroidism-delayed puberty-short stature syndrome (BCAHH). Also called: BRANCHIAL ARCH ABNORMALITIES, CHOANAL ATRESIA, ATHELIA, HEARING LOSS, AND HYPOTHYROIDISM SYNDROME. Identifiers: Orphanet 589856, MedGen C5680310, MONDO:0035651, OMIM 620186.
Kabuki syndrome. Also called: NIIKAWA-KUROKI SYNDROME; Kabuki make-up syndrome. Identifiers: Orphanet 2322, MedGen C0796004, MONDO:0016512.

Submissions (10):

Labcorp Genetics (formerly Invitae), Labcorp
Classification: Pathogenic for Kabuki syndrome. Last evaluated: 2024-04-29. Review status: criteria provided, single submitter. Criteria: Invitae Variant Classification Sherloc (09022015). Collection method: clinical testing. Allele origin: germline.
Comment: This sequence change creates a premature translational stop signal (p.Met1379Valfs*52) in the KMT2D gene. It is expected to result in an absent or disrupted protein product. Loss-of-function variants in KMT2D are known to be pathogenic (PMID: 22126750). This variant is not present in population databases (gnomAD no frequency). This premature translational stop signal has been observed in individual(s) with Kabuki syndrome (PMID: 24633898, 26512256, 27302555). ClinVar contains an entry for this variant (Variation ID: 94216). For these reasons, this variant has been classified as Pathogenic.

Neuberg Centre For Genomic Medicine, NCGM
Classification: Pathogenic for Kabuki syndrome 1. Last evaluated: 2023-06-22. Review status: criteria provided, single submitter. Criteria: ACMG Guidelines, 2015. Collection method: clinical testing. Allele origin: germline. Inheritance: Autosomal dominant inheritance. Affected: yes.
Comment: The observed frameshift variant c.4135_4136del(p.Met1379ValfsTer52) in the KMT2D gene has been reported previously in individuals with Kabuki syndrome (Cheon CK, Ko JM., 2015; Bögershausen N, et al., 2016). This variant is absent in the gnomAD Exomes. This variant causes a frameshift starting with codon Methionine 1379, changes this amino acid to Valine residue, and creates a premature Stop codon at position 52 of the new reading frame, denoted p.Met1379ValfsTer52. It is submitted to ClinVar as Pathogenic/Likely pathogenic. This variant is predicted to cause loss of normal protein function through protein truncation. Loss of function variants have been previously reported to be disease causing. For these reasons, this variant has been classified as Pathogenic.

New York Genome Center
Classification: Pathogenic for Kabuki syndrome 1; Choanal atresia-athelia-hypothyroidism-delayed puberty-short stature syndrome. Last evaluated: 2023-04-13. Review status: criteria provided, single submitter. Criteria: NYGC Assertion Criteria 2020. Collection method: clinical testing. Allele origin: germline. Affected: yes. Observed: 1 variant allele, 1 heterozygote.
Comment: The c.4135_4136del variant in KMT2D has previously been reported in individuals with Kabuki syndrome 1 [PMID: 24633898, 27302555, 32005694, 32170002,35904121], and it has been deposited in ClinVar [ClinVar ID: 94216] as Pathogenic by multiple submitters with affectedness status given. The c.4135_4136del variant is absent from population databases (gnomAD v2.1.1 and v3.1.2, TOPMed Freeze 8, All of Us), suggesting it is not a common benign variant in the populations represented in those databases. The c.4135_4136del variant in KMT2D is located in exon 14 of this 54-exon gene, is predicted to shift the open reading frame andincorporate a premature termination codon (p.(Met1379ValfsTer52)), and is expected to result in loss-of-function via nonsense mediated decay. Multiple loss-of-function variants downstream to the c.4135_4136del variant have been reported in the literature [PMID: 32596782] in individuals with Kabuki syndrome 1. Based on available evidence this heterozygous c.4135_4136del p.(Met1379ValfsTer52) variant identified in KMT2D is classified as Pathogenic.

GeneDx
Classification: Pathogenic. Last evaluated: 2023-02-16. Review status: criteria provided, single submitter. Criteria: GeneDx Variant Classification Process June 2021. Collection method: clinical testing. Allele origin: germline. Affected: yes.
Comment: Frameshift variant predicted to result in protein truncation or nonsense mediated decay in a gene for which loss of function is a known mechanism of disease; Not observed at significant frequency in large population cohorts (gnomAD); This variant is associated with the following publications: (PMID: 32459397, 24633898, 27302555, 32005694, 24739679, 32170002, 26512256, 33726816)

Blueprint Genetics
Classification: Pathogenic for KMT2D-related disorders. Last evaluated: 2019-12-21. Review status: criteria provided, single submitter. Criteria: ACMG Guidelines, 2015. Collection method: clinical testing. Allele origin: germline. Affected: yes. Observed: 1 variant allele.

Center for Human Genetics, Inc
Classification: Likely pathogenic for Kabuki syndrome 1. Last evaluated: 2016-11-01. Review status: criteria provided, single submitter. Criteria: ACMG Guidelines, 2015. Collection method: clinical testing. Allele origin: germline. Affected: yes.

Clinical Genetics and Genomics, Karolinska University Hospital
Classification: Pathogenic. Last evaluated: 2016-03-30. Review status: criteria provided, single submitter. Criteria: ACMG Guidelines, 2015. Collection method: clinical testing. Allele origin: germline. Affected: yes. Observed: 1 variant allele.

Eurofins Ntd Llc (ga)
Classification: Pathogenic. Last evaluated: 2015-03-30. Review status: criteria provided, single submitter. Criteria: EGL Classification Definitions. Collection method: clinical testing. Allele origin: germline. Observed: 2 variant alleles, 2 heterozygotes.

Genetic Services Laboratory, University of Chicago
Classification: Pathogenic for Kabuki syndrome 1. Last evaluated: 2013-08-29. Review status: criteria provided, single submitter. Criteria: ACMG Guidelines, 2007. Collection method: clinical testing. Allele origin: germline. Inheritance: Autosomal dominant inheritance. Affected: yes.

Autoinflammatory diseases unit, CHU de Montpellier
Classification: Pathogenic for Kabuki syndrome 1. Last evaluated: 2013-10-01. Review status: no assertion criteria provided. Collection method: clinical testing. Allele origin: de novo. Affected: yes. Not counted in ClinVar's aggregate classification.

Literature cited by the submitters: PubMed 22126750 (cited by Labcorp Genetics (formerly Invitae), Labcorp); PubMed 24633898 (cited by Labcorp Genetics (formerly Invitae), Labcorp and New York Genome Center); PubMed 26512256 (cited by Labcorp Genetics (formerly Invitae), Labcorp); PubMed 27302555 (cited by Labcorp Genetics (formerly Invitae), Labcorp and New York Genome Center); PubMed 32005694 (cited by New York Genome Center); PubMed 32170002 (cited by New York Genome Center); PubMed 35904121 (cited by New York Genome Center).

NM_003482.4(KMT2D):c.4135_4136del (p.Met1379fs)

Gene: KMT2D (lysine methyltransferase 2D; minus strand). Cytogenetic location: 12q13.12.
Variant type: Deletion.
Coding change: c.4135_4136del on transcript NM_003482.4 (MANE Select); coding-DNA positions 4135 to 4136, 2 bases deleted (AT; older notation c.4135_4136delAT).
Protein change: p.Met1379fs; shifts the reading frame from methionine 1379.
Molecular consequence: frameshift variant.
Genome position (GRCh38, 1-based): chr12:49,048,065-49,048,066, AT deleted on the plus strand (AT on the coding strand, the reverse complement: KMT2D is on the minus strand). VCF-style (leftmost placement, unchanged base first): chr12-49048064-CAT-C. GRCh37 (hg19) VCF-style: chr12-49441847-CAT-C.
Other names: c.4135_4136delAT (NM_003482.3).
Identifiers: ClinVar variation 94216 (VCV000094216.27), dbSNP rs398123744, ClinGen allele CA222075.